The following is an entry in ClinVar:

ClinVar aggregate classification (germline): Likely pathogenic (1 of 4 stars; one submission).

Conditions:
Bainbridge-Ropers syndrome. Also called: Severe feeding difficulties-failure to thrive-microcephaly due to ASXL3 deficiency syndrome. Identifiers: Orphanet 352577, MedGen C4750837, MONDO:0014205, OMIM 615485.

Submission:

3billion
Classification: Likely pathogenic for Bainbridge-Ropers syndrome. Last evaluated: 2023-02-23. Review status: criteria provided, single submitter. Criteria: ACMG Guidelines, 2015. Collection method: clinical testing. Allele origin: unknown. Affected: yes.
Comment: The variant is not observed in the gnomAD v2.1.1 dataset. This variant was predicted to result in a loss or disruption of normal protein function through protein truncation. Multiple pathogenic variants are reported in the predicted truncated region. This variant is classified as Likely pathogenic according to the recommendation of ACMG/AMP guideline.

NM_030632.3(ASXL3):c.4624del (p.Ala1542fs)

Gene: ASXL3 (ASXL transcriptional regulator 3; plus strand). Cytogenetic location: 18q12.1.
Variant type: Deletion.
Coding change: c.4624del on transcript NM_030632.3 (MANE Select); coding-DNA position 4624, one base deleted (G; older notation c.4624delG).
Protein change: p.Ala1542fs; shifts the reading frame from alanine 1542.
Molecular consequence: frameshift variant.
Genome position (GRCh38, 1-based): chr18:33,744,472, G deleted. VCF-style (leftmost placement, unchanged base first): chr18-33744471-TG-T. GRCh37 (hg19) VCF-style: chr18-31324435-TG-T.
Other names: short protein forms A1542fs.
Identifiers: ClinVar variation 2444182 (VCV002444182.1), dbSNP rs2510929049, ClinGen allele CA2580095672.